The following is an entry in ClinVar:

ClinVar aggregate classification (germline): Likely benign (1 of 4 stars; one submission).

Allele frequency attached by ClinVar (database versions not stated): 1000 Genomes Project 30x 0.00016; 1000 Genomes Project 0.00020; ExAC 0.00037; ESP Exome Variant Server 0.00038; gnomAD 0.00042; TOPMed 0.00062.
gnomAD v4.1: 508 of 1,613,774 alleles (0.031%); highest among the groups gnomAD compares: Middle Eastern, 0.083%; 2 homozygotes.

Submission:

CeGaT Center for Human Genetics Tuebingen
Classification: Likely benign. Last evaluated: 2022-11-01. Review status: criteria provided, single submitter. Criteria: CeGaT Center For Human Genetics Tuebingen Variant Classification Criteria Version 2. Collection method: clinical testing. Allele origin: germline. Affected: yes. Observed: 1 variant allele.
Comment: SACK1B: BP4, BP7

NM_001010872.3(SACK1B):c.1998G>A (p.Pro666=)

Gene: SACK1B (scaffolding CK1 anchoring protein B; plus strand). Cytogenetic location: 6p12.1.
Variant type: single nucleotide variant.
Coding change: c.1998G>A on transcript NM_001010872.3 (MANE Select); coding-DNA position 1998, G replaced by A.
Protein change: p.Pro666=; no amino-acid change (proline 666 retained).
Molecular consequence: synonymous variant.
Genome position (GRCh38, 1-based): chr6:54,940,969, G>A. VCF-style: chr6-54940969-G-A. GRCh37 (hg19) VCF-style: chr6-54805767-G-A.
Identifiers: ClinVar variation 2656650 (VCV002656650.24), dbSNP rs141168267, ClinGen allele CA3863119.
Genomic context (GRCh38, chr6:54,940,969, plus strand): 5'-GCAGACAGAAAATCTAAAGAATCAACAGACTGAGAATCTACTTAAAAGGCGAAGTTTCCC[G>A]TTATTTGACAACTCAAAAGCCAACTTAGATCCTGGAAATAGTAAGCATTATGTATATAGT-3'
Protein context (NP_001010872.1, residues 656-676): TENLLKRRSF[Pro666=]LFDNSKANLD